The following is an entry in ClinVar:

NM_004064.5(CDKN1B):c.584G>T (p.Arg195Ile)

Gene: CDKN1B (cyclin dependent kinase inhibitor 1B; plus strand). Cytogenetic location: 12p13.1.
Variant type: single nucleotide variant.
Coding change: c.584G>T on transcript NM_004064.5 (MANE Select); coding-DNA position 584, G replaced by T.
Protein change: p.Arg195Ile; replaces arginine 195 with isoleucine.
Molecular consequence: missense variant.
Genome position (GRCh38, 1-based): chr12:12,718,933, G>T. VCF-style: chr12-12718933-G-T. GRCh37 (hg19) VCF-style: chr12-12871867-G-T.
Other names: short protein forms R195I.
Identifiers: ClinVar variation 2450791 (VCV002450791.3), dbSNP rs1946513646, ClinGen allele CA383973195.

ClinVar aggregate classification (germline): Uncertain significance (1 of 4 stars; one submission).

Conditions:
Hereditary cancer-predisposing syndrome. Also called: Neoplastic Syndromes, Hereditary; Tumor predisposition; Hereditary neoplastic syndrome; Hereditary Cancer Syndrome. Identifiers: Orphanet 140162, MedGen C0027672, MeSH D009386, MONDO:0015356.

Submission:

Ambry Genetics
Classification: Uncertain significance for Hereditary cancer-predisposing syndrome. Last evaluated: 2025-10-28. Review status: criteria provided, single submitter. Criteria: Ambry Variant Classification Scheme 2023. Collection method: clinical testing. Allele origin: germline.
Comment: The p.R195I variant (also known as c.584G>T), located in coding exon 2 of the CDKN1B gene, results from a G to T substitution at nucleotide position 584. The arginine at codon 195 is replaced by isoleucine, an amino acid with similar properties. This amino acid position is conserved. In addition, this alteration is predicted to be tolerated by in silico analysis. Since supporting evidence is limited at this time, the clinical significance of this alteration remains unclear.